The following is an entry in ClinVar:

NM_017696.3(MCM9):c.672_673delinsC (p.Glu225fs)

Gene: MCM9 (minichromosome maintenance 9 homologous recombination repair factor; minus strand). Cytogenetic location: 6q22.31.
Variant type: Indel.
Coding change: c.672_673delinsC on transcript NM_017696.3 (MANE Select); coding-DNA positions 672 to 673, GG replaced by C.
Protein change: p.Glu225fs; shifts the reading frame from glutamic acid 225.
Molecular consequence: frameshift variant. On other transcripts: non-coding transcript variant (2).
Genome position (GRCh38, 1-based): chr6:118,922,035-118,922,036, CC replaced by G on the plus strand (GG replaced by C on the coding strand, the reverse complement: MCM9 is on the minus strand). VCF-style: chr6-118922035-CC-G. GRCh37 (hg19) VCF-style: chr6-119243200-CC-G.
Other names: c.672_673delinsC, p.Glu225fs (NM_001378356.1, NM_001378357.1, NM_001378358.1 and 9 more transcripts); c.474_475delinsC, p.Glu159fs (NM_001378361.1, NM_001378362.1, NM_001378363.1 and 3 more transcripts); short protein forms E159fs, E225fs.
Identifiers: ClinVar variation 3254813 (VCV003254813.2), dbSNP rs774660544.

ClinVar aggregate classification (germline): Pathogenic (1 of 4 stars; one submission).

Conditions:
46,XX ovarian dysgenesis-short stature syndrome (ODG4). Also called: OVARIAN DYSGENESIS 4. Identifiers: Orphanet 444048, MedGen C4015409, MONDO:0014520, OMIM 616185.

Submission:

Victorian Clinical Genetics Services, Murdoch Childrens Research Institute
Classification: Pathogenic for 46,XX ovarian dysgenesis-short stature syndrome. Last evaluated: 2024-09-22. Review status: criteria provided, single submitter. Criteria: ACMG Guidelines, 2015. Collection method: clinical testing. Allele origin: germline. Inheritance: Autosomal recessive inheritance. Affected: yes.
Comment: Based on the classification scheme VCGS_Germline_v1.3.4, this variant is classified as Pathogenic. Following criteria are met: 0102 - Loss of function is a likely mechanism of disease in this gene and is associated with ovarian dysgenesis 4 (MIM#616185). (I) 0106 - This gene is associated with autosomal recessive disease. (I) 0201 - Variant is predicted to cause nonsense-mediated decay (NMD) and loss of protein (premature termination codon is located at least 54 nucleotides upstream of the final exon-exon junction). (SP) 0251 - This variant is heterozygous. (I) 0304 - Variant is present in gnomAD (v2) <0.01 for a recessive condition (4 heterozygotes, 0 homozygotes). (SP) 0702 - Other NMD-predicted variants comparable to the one identified in this case have strong previous evidence for pathogenicity. These variants have been reported as pathogenic, and observed in at least five homozygous individuals with primary ovarian insufficiency or hypergonadotropic hypogonadism (ClinVar, PMID: 34556653, PMID: 25480036; PMID: 31042289, PMID: 30406445). (SP) 0803 - This variant has limited previous evidence of pathogenicity in an unrelated individual. This variant has been observed in a single homozygous family with primary hypergonadotropic hypogonadism. Heterozygous carriers were noted to have polyps (PMID: 26806154, PMID: 34556653). (SP) 0906 - Segregation evidence for this variant is inconclusive. This variant was observed in two homozygous affected siblings, and heterozygous in an additional two unaffected siblings. However, this evidence is insufficient to conclude segregation with disease (PMID: 26806154). (I) 1007 - No published functional evidence has been identified for this variant. (I) 1201 - Heterozygous variant detected in trans with a second likely pathogenic heterozygous variant (NM_017696.2(MCM9):c.1529-7C>G) in a recessive disease. (I) Legend: (SP) - Supporting pathogenic, (I) - Information, (SB) - Supporting benign

Literature cited by the submitters: PubMed 25480036; PubMed 26806154; PubMed 30406445; PubMed 31042289; PubMed 34556653.